The following is an entry in ClinVar:

NM_000071.3(CBS):c.49C>A (p.His17Asn)

Gene: CBS (cystathionine beta-synthase; minus strand). Cytogenetic location: 21q22.3.
Variant type: single nucleotide variant.
Coding change: c.49C>A on transcript NM_000071.3 (MANE Select); coding-DNA position 49, C replaced by A.
Protein change: p.His17Asn; replaces histidine 17 with asparagine.
Molecular consequence: missense variant.
Genome position (GRCh38, 1-based): chr21:43,072,145, G>T on the plus strand (C>A on the coding strand, the complement: CBS is on the minus strand). VCF-style: chr21-43072145-G-T. GRCh37 (hg19) VCF-style: chr21-44492255-G-T.
Other names: c.49C>A, p.His17Asn (NM_001178008.3, NM_001178009.3, NM_001320298.2); short protein forms H17N.
Identifiers: ClinVar variation 1365200 (VCV001365200.8), dbSNP rs2146428735, ClinGen allele CA410602549.

ClinVar aggregate classification (germline): Uncertain significance (1 of 4 stars; one submission).

Conditions:
HYPERHOMOCYSTEINEMIA, THROMBOTIC, CBS-RELATED. Identifiers: MedGen C3150344, OMIM 236200.

Submission:

Labcorp Genetics (formerly Invitae), Labcorp
Classification: Uncertain significance for HYPERHOMOCYSTEINEMIA, THROMBOTIC, CBS-RELATED. Last evaluated: 2022-07-11. Review status: criteria provided, single submitter. Criteria: Invitae Variant Classification Sherloc (09022015). Collection method: clinical testing. Allele origin: germline.
Comment: This sequence change replaces histidine, which is basic and polar, with asparagine, which is neutral and polar, at codon 17 of the CBS protein (p.His17Asn). In summary, the available evidence is currently insufficient to determine the role of this variant in disease. Therefore, it has been classified as a Variant of Uncertain Significance. Algorithms developed to predict the effect of missense changes on protein structure and function (SIFT, PolyPhen-2, Align-GVGD) all suggest that this variant is likely to be tolerated. ClinVar contains an entry for this variant (Variation ID: 1365200). This variant has not been reported in the literature in individuals affected with CBS-related conditions. This variant is not present in population databases (gnomAD no frequency).